The following is an entry in ClinVar:

NM_138773.4(SLC25A46):c.1198G>A (p.Ala400Thr)

Gene: SLC25A46 (solute carrier family 25 member 46; plus strand). Cytogenetic location: 5q22.1.
Variant type: single nucleotide variant.
Coding change: c.1198G>A on transcript NM_138773.4 (MANE Select); coding-DNA position 1198, G replaced by A.
Protein change: p.Ala400Thr; replaces alanine 400 with threonine.
Molecular consequence: missense variant. On other transcripts: non-coding transcript variant (1).
Genome position (GRCh38, 1-based): chr5:110,761,723, G>A. VCF-style: chr5-110761723-G-A. GRCh37 (hg19) VCF-style: chr5-110097423-G-A.
Other names: c.955G>A, p.Ala319Thr (NM_001303249.3); c.925G>A, p.Ala309Thr (NM_001303250.3); short protein forms A400T, A319T, A309T.
Identifiers: ClinVar variation 862140 (VCV000862140.5), dbSNP rs1800256724, ClinGen allele CA360697773.

ClinVar aggregate classification (germline): Uncertain significance (1 of 4 stars; one submission).

Conditions:
Neuropathy, hereditary motor and sensory, type 6B (HMSN6B). Also called: Neuropathy, hereditary motor and sensory, type VIB; NEUROPATHY, HEREDITARY MOTOR AND SENSORY, TYPE VIB, WITH OPTIC ATROPHY; HMSN VIB; CHARCOT-MARIE-TOOTH DISEASE, TYPE 6B. Identifiers: MedGen C4225302, MONDO:0014671, OMIM 616505.

Allele frequency attached by ClinVar (database versions not stated): gnomAD 0.00001; gnomAD exomes 0.00001; TOPMed 0.00001.
gnomAD v4.1: 10 of 1,612,896 alleles (0.00062%); highest among the groups gnomAD compares: Non-Finnish European, 0.00085%; no homozygotes.

Submission:

Labcorp Genetics (formerly Invitae), Labcorp
Classification: Uncertain significance for Neuropathy, hereditary motor and sensory, type 6B. Last evaluated: 2022-10-24. Review status: criteria provided, single submitter. Criteria: Invitae Variant Classification Sherloc (09022015). Collection method: clinical testing. Allele origin: germline.
Comment: This sequence change replaces alanine, which is neutral and non-polar, with threonine, which is neutral and polar, at codon 400 of the SLC25A46 protein (p.Ala400Thr). This variant is not present in population databases (gnomAD no frequency). This variant has not been reported in the literature in individuals affected with SLC25A46-related conditions. ClinVar contains an entry for this variant (Variation ID: 862140). Advanced modeling of protein sequence and biophysical properties (such as structural, functional, and spatial information, amino acid conservation, physicochemical variation, residue mobility, and thermodynamic stability) performed at Invitae indicates that this missense variant is not expected to disrupt SLC25A46 protein function. In summary, the available evidence is currently insufficient to determine the role of this variant in disease. Therefore, it has been classified as a Variant of Uncertain Significance.